The following is an entry in ClinVar:

NM_003070.5(SMARCA2):c.2606C>G (p.Thr869Ser)

Gene: SMARCA2 (SWI/SNF related BAF chromatin remodeling complex subunit ATPase 2; plus strand). Cytogenetic location: 9p24.3.
Variant type: single nucleotide variant.
Coding change: c.2606C>G on transcript NM_003070.5 (MANE Select); coding-DNA position 2606, C replaced by G.
Protein change: p.Thr869Ser; replaces threonine 869 with serine.
Molecular consequence: missense variant. On other transcripts: intron variant (1).
Genome position (GRCh38, 1-based): chr9:2,086,908, C>G. VCF-style: chr9-2086908-C-G. GRCh37 (hg19) VCF-style: chr9-2086908-C-G.
Other names: c.2606C>G, p.Thr869Ser (NM_139045.4, NM_001289396.2); c.2595+11C>G (NM_001289397.2); short protein forms T869S.
Identifiers: ClinVar variation 4880849 (VCV004880849.2).
Genomic context (GRCh38, chr9:2,086,908, plus strand): 5'-TAGTGGACGAAGGCCACCGAATGAAGAATCACCACTGCAAGCTGACTCAGGTCTTGAACA[C>G]TCACTATGTGGCCCCCAGAAGGATCCTCTTGACTGGGACCCCGCTGCAGAATAAGCTCCC-3'
Protein context (NP_003061.3, residues 859-879): HHCKLTQVLN[Thr869Ser]HYVAPRRILL

ClinVar aggregate classification (germline): Uncertain significance (1 of 4 stars; one submission).

Submission:

Dasa
Classification: Uncertain significance. Last evaluated: 2025-02-24. Review status: criteria provided, single submitter. Criteria: DASA Assertion Criteria. Collection method: clinical testing. Allele origin: germline.
Comment: NM_003070.5(SMARCA2):c.2606C>G (p.Thr869Ser) is a missense variant that results in the substitution of threonine with serine. The affected residue or protein region has prior evidence supporting clinical relevance. This variant is absent from population databases. The currently available literature and clinical evidence are not sufficient to establish a definitive association between this variant and the reported condition. Therefore, this variant is classified as a variant of uncertain significance.